The following is an entry in ClinVar:

NM_000021.4(PSEN1):c.504ATC[1] (p.Ser170del)

Gene: PSEN1 (presenilin 1; plus strand). Cytogenetic location: 14q24.2.
Variant type: Microsatellite.
Coding change: c.504ATC[1] on transcript NM_000021.4 (MANE Select); one copy of the 3-base unit ATC starting at c.504; the reference has two copies in a row; one copy, 3 bases deleted; also written c.507_509del.
Protein change: p.Ser170del; deletes serine 170.
Molecular consequence: inframe deletion.
Genome position (GRCh38, 1-based): chr14:73,186,879-73,186,881, ATC deleted; deleting any 3 consecutive bases within chr14:73,186,876-73,186,881 gives the same sequence; the position shown is the placement nearest the transcript's 3' end. VCF-style (leftmost placement, unchanged base first): chr14-73186875-TATC-T. GRCh37 (hg19) VCF-style: chr14-73653583-TATC-T.
Other names: c.507_509del (NM_000021.4); c.492ATC[1], p.Ser166del (NM_007318.3); short protein forms S166del, S170del.
Identifiers: ClinVar variation 1709203 (VCV001709203.7), dbSNP rs2502921178, ClinGen allele CA2580613716.
Genomic context (GRCh38, chr14:73,186,875, plus strand): 5'-GGGACCTGTTAATTATATTGAAATGCTTTCTTTTCTAGGTCATCCATGCCTGGCTTATTA[TATC>T]ATCTCTATTGTTGCTGTTCTTTTTTTCATTCATTTACTTGGGGTAAGTTGTGAAATTTTT-3'

ClinVar aggregate classification (germline): Conflicting classifications of pathogenicity. Review status: criteria provided, conflicting classifications (1 of 4 stars). 2 submissions from 2 submitters: Likely pathogenic (1); Uncertain significance (1). Last evaluated 2022-05-29.

Conditions:
Frontotemporal dementia (FTD1). Also called: WILHELMSEN-LYNCH DISEASE; Dementia, frontotemporal, with or without parkinsonism; Frontotemporal Dementia with Parkinsonism-17 (FTDP-17); FRONTOTEMPORAL LOBAR DEGENERATION WITH TAU INCLUSIONS; FTLD WITH TAU INCLUSIONS; FRONTOTEMPORAL DEMENTIA WITH PARKINSONISM. Identifiers: Orphanet 282, MedGen C0338451, MONDO:0017276, OMIM 600274, HP:0002145.
Acne inversa, familial, 3 (ACNINV3). Identifiers: MedGen C3151038, MONDO:0013398, OMIM 613737.
Pick disease. Also called: Pick's disease; PICK DISEASE OF BRAIN; DEMENTIA WITH LOBAR ATROPHY AND NEURONAL CYTOPLASMIC INCLUSIONS; LOBAR ATROPHY OF BRAIN; Pick Disease of the Brain. Identifiers: Orphanet 282, MedGen C0236642, MONDO:0008243, OMIM 172700.
Alzheimer disease 3 (AD3). Also called: ALZHEIMER DISEASE, FAMILIAL, 3. Identifiers: Orphanet 1020, MedGen C1843013, MONDO:0011913, OMIM 607822.

Submissions (2):

Labcorp Genetics (formerly Invitae), Labcorp
Classification: Uncertain significance for Alzheimer disease 3; Pick disease; Acne inversa, familial, 3; Frontotemporal dementia. Last evaluated: 2022-05-29. Review status: criteria provided, single submitter. Criteria: Invitae Variant Classification Sherloc (09022015). Collection method: clinical testing. Allele origin: germline.
Comment: In summary, the available evidence is currently insufficient to determine the role of this variant in disease. Therefore, it has been classified as a Variant of Uncertain Significance. Experimental studies have shown that this variant affects PSEN1 function (PMID: 27930341, 29915376). Algorithms developed to predict the effect of variants on protein structure and function are not available or were not evaluated for this variant. This variant is also known as ΔS169, Ser169del. This variant has been observed in individuals with clinical features of PSEN1-related conditions (PMID: 19853643; Invitae). This variant is not present in population databases (gnomAD no frequency). This variant, c.507_509del, results in the deletion of 1 amino acid(s) of the PSEN1 protein (p.Ser170del), but otherwise preserves the integrity of the reading frame.

MGZ Medical Genetics Center
Classification: Likely pathogenic for Alzheimer disease 3. Last evaluated: 2022-03-15. Review status: criteria provided, single submitter. Criteria: ACMG Guidelines, 2015. Collection method: clinical testing. Allele origin: germline. Affected: yes. Observed: 1 variant allele.
Comment: ACMG criteria applied: PS3_MOD, PM4, PM2_SUP, PP1

Literature cited by the submitters: PubMed 27930341 (cited by Labcorp Genetics (formerly Invitae), Labcorp); PubMed 29915376 (cited by Labcorp Genetics (formerly Invitae), Labcorp); PubMed 19853643 (cited by Labcorp Genetics (formerly Invitae), Labcorp).